The following is an entry in ClinVar:

ClinVar aggregate classification (germline): Uncertain significance. Review status: criteria provided, multiple submitters, no conflicts (2 of 4 stars). 2 submissions from 2 submitters: Uncertain significance (2). Last evaluated 2026-08-06.

Conditions:
Colorectal cancer, hereditary nonpolyposis, type 7. Identifiers: Orphanet 144, MedGen C1858380, MONDO:0013725, OMIM 614385.

Submissions (2):

OLLIN Analises Genomicas, OLLIN
Classification: Uncertain significance for Colorectal cancer, hereditary nonpolyposis, type 7. Last evaluated: 2026-08-06. Review status: criteria provided, single submitter. Criteria: ACMG Guidelines 2015 PMID 25741868. Collection method: clinical testing. Allele origin: germline.
Comment: This missense variant, located in exon 2 (of 13), is absent from gnomAD and has not been identified in the literature. However, it has been reported in ClinVar (accession VCV002868979.3). In silico analysis predicts that this variant has a tolerated effect. According to the currently available evidence, this variant has been classified as uncertain significance (PM2_P, BP4).

Labcorp Genetics (formerly Invitae), Labcorp
Classification: Uncertain significance for Colorectal cancer, hereditary nonpolyposis, type 7. Last evaluated: 2023-05-11. Review status: criteria provided, single submitter. Criteria: Invitae Variant Classification Sherloc (09022015). Collection method: clinical testing. Allele origin: germline.
Comment: This variant is not present in population databases (gnomAD no frequency). This sequence change replaces glycine, which is neutral and non-polar, with aspartic acid, which is acidic and polar, at codon 359 of the MLH3 protein (p.Gly359Asp). This variant has not been reported in the literature in individuals affected with MLH3-related conditions. In summary, the available evidence is currently insufficient to determine the role of this variant in disease. Therefore, it has been classified as a Variant of Uncertain Significance. An algorithm developed to predict the effect of missense changes on protein structure and function (PolyPhen-2) suggests that this variant is likely to be tolerated.

NM_001040108.2(MLH3):c.1076G>A (p.Gly359Asp)

Gene: MLH3 (mutL homolog 3; minus strand). Cytogenetic location: 14q24.3.
Variant type: single nucleotide variant.
Coding change: c.1076G>A on transcript NM_001040108.2 (MANE Select); coding-DNA position 1076, G replaced by A.
Protein change: p.Gly359Asp; replaces glycine 359 with aspartic acid.
Molecular consequence: missense variant.
Genome position (GRCh38, 1-based): chr14:75,048,580, C>T on the plus strand (G>A on the coding strand, the complement: MLH3 is on the minus strand). VCF-style: chr14-75048580-C-T. GRCh37 (hg19) VCF-style: chr14-75515283-C-T.
Other names: c.1076G>A, p.Gly359Asp (NM_014381.3); short protein forms G359D.
Identifiers: ClinVar variation 2868979 (VCV002868979.4), dbSNP rs2503304400, ClinGen allele CA390447645.